The following is an entry in ClinVar:

ClinVar aggregate classification (germline): Conflicting classifications of pathogenicity. Review status: criteria provided, conflicting classifications (1 of 4 stars). 4 submissions from 4 submitters: Pathogenic (1); Likely pathogenic (2); Uncertain significance (1). Last evaluated 2026-03-19.

Conditions:
Mitochondrial DNA depletion syndrome 1. Also called: Mitochondrial DNA Depletion Syndrome, MNGIE Form; Mitochondrial neurogastrointestinal encephalomyopathy syndrome; POLIP SYNDROME; POLYNEUROPATHY, OPHTHALMOPLEGIA, LEUKOENCEPHALOPATHY, AND INTESTINAL PSEUDOOBSTRUCTION; Mitochondrial Neurogastrointestinal Encephalopathy Disease; MITOCHONDRIAL NEUROGASTROINTESTINAL ENCEPHALOPATHY SYNDROME, TYMP-RELATED. Identifiers: Orphanet 298, MedGen C4551995, MONDO:0011283, OMIM 603041.

Allele frequency attached by ClinVar (database versions not stated): gnomAD exomes below 0.00001.
gnomAD v4.1: 1 of 1,545,530 alleles (0.000065%); highest among the groups gnomAD compares: Non-Finnish European, 0.000086%; no homozygotes.

Submissions (4):

Myriad Genetics, Inc.
Classification: Uncertain significance for Mitochondrial DNA depletion syndrome 1. Last evaluated: 2026-03-19. Review status: criteria provided, single submitter. Criteria: Myriad Autosomal Dominant, Autosomal Recessive and X-Linked Classification Criteria (2023). Collection method: clinical testing. Allele origin: unknown.
Comment: NM_001953.4(TYMP):c.1040T>C(L347P) is a missense variant classified as a variant of uncertain significance in the context of mitochondrial neurogastrointestinal encephalopathy disease. L347P has been observed in cases with relevant disease (PMID: 23590577, 36101829, 36946378, 37334785, Karlsson_2023_(Abstract)). Relevant functional assessments of this variant are not available in the literature. L347P has not been observed in referenced population frequency databases. In summary, there is insufficient evidence to classify NM_001953.4(TYMP):c.1040T>C(L347P) as pathogenic or benign. Please note: this variant was assessed in the context of healthy population screening.

Women's Health and Genetics/Laboratory Corporation of America, LabCorp
Classification: Likely pathogenic for Mitochondrial DNA depletion syndrome 1. Last evaluated: 2023-09-02. Review status: criteria provided, single submitter. Criteria: LabCorp Variant Classification Summary - May 2015. Collection method: clinical testing. Allele origin: germline.
Comment: Variant summary: TYMP c.1040T>C (p.Leu347Pro) results in a non-conservative amino acid change in the encoded protein sequence. Five of five in-silico tools predict a damaging effect of the variant on protein function. The variant was absent in 148402 control chromosomes (gnomAD). c.1040T>C has been reported in the literature in multiple individuals affected with Mitochondrial DNA Depletion Syndrome 1 (MNGIE type) (e.g. Mihaylova_2013, Ucar_2022, Kumar_2023), and in at least one case the variant was found in trans with a pathogenic variant. These data indicate that the variant is likely to be associated with disease. To our knowledge, no experimental evidence demonstrating an impact on protein function has been reported. The following publications have been ascertained in the context of this evaluation (PMID: 23590577, 36101829, 37334785). Two submitters have cited clinical-significance assessments for this variant to ClinVar after 2014, and both classified the variant as pathogenic/likely pathogenic. Based on the evidence outlined above, the variant was classified as likely pathogenic.

Labcorp Genetics (formerly Invitae), Labcorp
Classification: Pathogenic. Last evaluated: 2022-08-22. Review status: criteria provided, single submitter. Criteria: Invitae Variant Classification Sherloc (09022015). Collection method: clinical testing. Allele origin: germline.
Comment: For these reasons, this variant has been classified as Pathogenic. Advanced modeling of protein sequence and biophysical properties (such as structural, functional, and spatial information, amino acid conservation, physicochemical variation, residue mobility, and thermodynamic stability) performed at Invitae indicates that this missense variant is expected to disrupt TYMP protein function. This missense change has been observed in individual(s) with clinical features of TYMP-related conditions (PMID: 23590577; Invitae). In at least one individual the data is consistent with being in trans (on the opposite chromosome) from a pathogenic variant. This variant is not present in population databases (gnomAD no frequency). This sequence change replaces leucine, which is neutral and non-polar, with proline, which is neutral and non-polar, at codon 347 of the TYMP protein (p.Leu347Pro).

Baylor Genetics
Classification: Likely pathogenic for Mitochondrial DNA depletion syndrome 1. Last evaluated: 2022-02-12. Review status: criteria provided, single submitter. Criteria: ACMG Guidelines, 2015. Collection method: clinical testing. Allele origin: unknown.

Literature cited by the submitters: PubMed 37334785 (cited by Women's Health and Genetics/Laboratory Corporation of America, LabCorp); PubMed 23590577 (cited by Women's Health and Genetics/Laboratory Corporation of America, LabCorp and Labcorp Genetics (formerly Invitae), Labcorp); PubMed 36101829 (cited by Women's Health and Genetics/Laboratory Corporation of America, LabCorp).

NM_001953.5(TYMP):c.1040T>C (p.Leu347Pro)

Genes: SCO2 (synthesis of cytochrome C oxidase 2; minus strand), TYMP (thymidine phosphorylase; minus strand), LOC130067862 (ATAC-STARR-seq lymphoblastoid silent region 13986; plus strand). Cytogenetic location: 22q13.33.
Variant type: single nucleotide variant.
Coding change: c.1040T>C on transcript NM_001953.5 (MANE Select); coding-DNA position 1040, T replaced by C.
Protein change: p.Leu347Pro; replaces leucine 347 with proline.
Molecular consequence: missense variant. On other transcripts: 5 prime UTR variant (1).
Genome position (GRCh38, 1-based): chr22:50,526,365, A>G on the plus strand (T>C on the coding strand, the complement: TYMP is on the minus strand). VCF-style: chr22-50526365-A-G. GRCh37 (hg19) VCF-style: chr22-50964794-A-G.
Other names: c.1040T>C, p.Leu347Pro (NM_001113755.3, NM_001113756.3, NM_001257988.1 and 1 more transcripts); c.-133T>C (NM_001169109.2); c.1040T>C (NM_001953.4); short protein forms L347P.
Identifiers: ClinVar variation 2138462 (VCV002138462.5), dbSNP rs2522513131, ClinGen allele CA412197822.